The following is an entry in ClinVar:

NM_000388.4(CASR):c.1225A>C (p.Ile409Leu)

Gene: CASR (calcium sensing receptor; plus strand). Cytogenetic location: 3q21.1.
Variant type: single nucleotide variant.
Coding change: c.1225A>C on transcript NM_000388.4 (MANE Select); coding-DNA position 1225, A replaced by C.
Protein change: p.Ile409Leu; replaces isoleucine 409 with leucine.
Molecular consequence: missense variant.
Genome position (GRCh38, 1-based): chr3:122,262,260, A>C. VCF-style: chr3-122262260-A-C. GRCh37 (hg19) VCF-style: chr3-121981107-A-C.
Other names: c.1225A>C, p.Ile409Leu (NM_001178065.2); short protein forms I409L.
Identifiers: ClinVar variation 1754041 (VCV001754041.2), dbSNP rs1576859345, ClinGen allele CA354152858.

ClinVar aggregate classification (germline): Uncertain significance (1 of 4 stars; one submission).

Conditions:
Nephrolithiasis/nephrocalcinosis. Identifiers: MedGen CN580796.

gnomAD v4.1: 2 of 1,614,240 alleles (0.00012%); highest among the groups gnomAD compares: Non-Finnish European, 0.00017%; no homozygotes.

Submission:

Ambry Genetics
Classification: Uncertain significance for Nephrolithiasis/nephrocalcinosis. Last evaluated: 2021-10-16. Review status: criteria provided, single submitter. Criteria: Ambry Variant Classification Scheme 2023. Collection method: clinical testing. Allele origin: germline.
Comment: The p.I409L variant (also known as c.1225A>C), located in coding exon 3 of the CASR gene, results from an A to C substitution at nucleotide position 1225. The isoleucine at codon 409 is replaced by leucine, an amino acid with highly similar properties. This amino acid position is conserved. In addition, this alteration is predicted to be tolerated by in silico analysis. Since supporting evidence is limited at this time, the clinical significance of this alteration remains unclear.